The following is an entry in ClinVar:

ClinVar aggregate classification (germline): Uncertain significance (1 of 4 stars; one submission).

Allele frequency attached by ClinVar (database versions not stated): gnomAD exomes below 0.00001; TOPMed below 0.00001; ExAC 0.00004.
gnomAD v4.1: 5 of 1,607,112 alleles (0.00031%); highest among the groups gnomAD compares: East Asian, 0.011%; no homozygotes.

Submission:

Labcorp Genetics (formerly Invitae), Labcorp
Classification: Uncertain significance. Last evaluated: 2023-06-24. Review status: criteria provided, single submitter. Criteria: Invitae Variant Classification Sherloc (09022015). Collection method: clinical testing. Allele origin: germline.
Comment: In summary, the available evidence is currently insufficient to determine the role of this variant in disease. Therefore, it has been classified as a Variant of Uncertain Significance. This sequence change replaces isoleucine, which is neutral and non-polar, with threonine, which is neutral and polar, at codon 351 of the ALPK3 protein (p.Ile351Thr). This variant is present in population databases (rs776988513, gnomAD 0.03%). This variant has not been reported in the literature in individuals affected with ALPK3-related conditions. ClinVar contains an entry for this variant (Variation ID: 1933111). An algorithm developed to predict the effect of missense changes on protein structure and function (PolyPhen-2) suggests that this variant is likely to be disruptive.

NM_020778.5(ALPK3):c.446T>C (p.Ile149Thr)

Gene: ALPK3 (alpha kinase 3; plus strand). Cytogenetic location: 15q25.3.
Variant type: single nucleotide variant.
Coding change: c.446T>C on transcript NM_020778.5 (MANE Select); coding-DNA position 446, T replaced by C.
Protein change: p.Ile149Thr; replaces isoleucine 149 with threonine.
Molecular consequence: missense variant.
Genome position (GRCh38, 1-based): chr15:84,839,725, T>C. VCF-style: chr15-84839725-T-C. GRCh37 (hg19) VCF-style: chr15-85382956-T-C.
Other names: short protein forms I149T.
Identifiers: ClinVar variation 1933111 (VCV001933111.5), dbSNP rs776988513, ClinGen allele CA7708983.